The following is an entry in ClinVar:

ClinVar aggregate classification (germline): Uncertain significance (1 of 4 stars; one submission).

gnomAD v4.1: 5 of 1,613,412 alleles (0.00031%); highest among the groups gnomAD compares: Non-Finnish European, 0.00042%; no homozygotes.

Submission:

GeneDx
Classification: Uncertain significance. Last evaluated: 2026-03-05. Review status: criteria provided, single submitter. Criteria: GeneDx Variant Classification Process June 2021. Collection method: clinical testing. Allele origin: germline.
Comment: Not observed at significant frequency in large population cohorts (gnomAD); In silico analysis supports that this missense variant has a deleterious effect on protein structure/function; Has not been previously published as pathogenic or benign to our knowledge

NM_032119.4(ADGRV1):c.16225C>G (p.Arg5409Gly)

Gene: ADGRV1 (adhesion G protein-coupled receptor V1; plus strand). Cytogenetic location: 5q14.3.
Variant type: single nucleotide variant.
Coding change: c.16225C>G on transcript NM_032119.4 (MANE Select); coding-DNA position 16225, C replaced by G.
Protein change: p.Arg5409Gly; replaces arginine 5409 with glycine.
Molecular consequence: missense variant. On other transcripts: non-coding transcript variant (1).
Genome position (GRCh38, 1-based): chr5:90,823,453, C>G. VCF-style: chr5-90823453-C-G. GRCh37 (hg19) VCF-style: chr5-90119270-C-G.
Other names: short protein forms R5409G.
Identifiers: ClinVar variation 5008371 (VCV005008371.1).